The following is an entry in ClinVar:

ClinVar aggregate classification (germline): Benign/Likely benign. Review status: criteria provided, multiple submitters, no conflicts (2 of 4 stars). 14 submissions from 14 submitters: Benign (3); Likely benign (7). 4 of the submissions do not count toward it. Last evaluated 2026-04-01.

Conditions:
Hereditary cancer-predisposing syndrome. Also called: Tumor predisposition; Neoplastic Syndromes, Hereditary; Hereditary Cancer Syndrome; Hereditary neoplastic syndrome. Identifiers: Orphanet 140162, MedGen C0027672, MeSH D009386, MONDO:0015356.
Familial adenomatous polyposis 1 (FAP1). Also called: FAMILIAL ADENOMATOUS POLYPOSIS 1, ATTENUATED; POLYPOSIS, ADENOMATOUS INTESTINAL. Identifiers: MedGen C2713442, MONDO:0021056, OMIM 175100. Disease mechanism: loss of function.

Allele frequency attached by ClinVar (database versions not stated): gnomAD exomes 0.00104; gnomAD 0.00114; ExAC 0.00120; 1000 Genomes Project 0.00319.
gnomAD v4.1: 1,218 of 1,171,106 alleles (0.1%); highest among the groups gnomAD compares: African/African-American, 0.29%; no homozygotes.

Submissions (14):

CeGaT Center for Human Genetics Tuebingen
Classification: Likely benign. Last evaluated: 2026-04-01. Review status: criteria provided, single submitter. Criteria: CeGaT Center For Human Genetics Tuebingen Variant Classification Criteria Version 2. Collection method: clinical testing. Allele origin: germline. Affected: yes. Observed: 6 variant alleles.
Comment: APC: BS1

Dasa
Classification: Benign. Last evaluated: 2025-12-18. Review status: criteria provided, single submitter. Criteria: DASA Assertion Criteria. Collection method: clinical testing. Allele origin: germline.
Comment: NM_000038.6(APC):c.423-17T>A is interpreted as benign based on a combination of available evidence, which may include population frequency, observations in unaffected individuals, intact protein function, lack of segregation with disease, in silico models, amino acid conservation, lack of disease association in case-control studies, and/or inconsistency with the known disease mechanism or impacted region. Based on the available data, this variant is classified as benign.

Center for Genomic Medicine, Rigshospitalet, Copenhagen University Hospital
Classification: Likely benign. Last evaluated: 2025-03-04. Review status: criteria provided, single submitter. Criteria: ACMG Guidelines, 2015. Collection method: clinical testing. Allele origin: germline.

Blueprint Genetics
Classification: Likely benign. Last evaluated: 2024-11-21. Review status: criteria provided, single submitter. Criteria: ACMG Guidelines, 2015. Collection method: clinical testing. Allele origin: germline.

KCCC/NGS Laboratory, Kuwait Cancer Control Center
Classification: Benign for Familial adenomatous polyposis 1. Last evaluated: 2023-07-07. Review status: criteria provided, single submitter. Criteria: ACMG Guidelines, 2015. Collection method: clinical testing. Allele origin: germline. Affected: yes.

Sema4
Classification: Likely benign for Hereditary cancer-predisposing syndrome. Last evaluated: 2021-07-04. Review status: criteria provided, single submitter. Criteria: Sema4 Curation Guidelines. Collection method: curation. Allele origin: germline.

Mendelics
Classification: Likely benign for Familial adenomatous polyposis 1. Last evaluated: 2019-05-28. Review status: criteria provided, single submitter. Criteria: Mendelics Assertion Criteria 2017. Collection method: clinical testing. Allele origin: unknown.

Color Diagnostics, LLC DBA Color Health
Classification: Likely benign for Hereditary cancer-predisposing syndrome. Last evaluated: 2017-11-12. Review status: criteria provided, single submitter. Criteria: ACMG Guidelines, 2015. Collection method: clinical testing. Allele origin: germline.

GeneDx
Classification: Benign. Last evaluated: 2015-03-03. Review status: criteria provided, single submitter. Criteria: GeneDx Variant Classification Process June 2021. Collection method: clinical testing. Allele origin: germline. Affected: yes.

Breakthrough Genomics
Classification: Likely benign. Review status: criteria provided, single submitter. Criteria: ACMG Guidelines, 2015. Collection method: not provided. Allele origin: germline. Inheritance: Autosomal dominant inheritance. Affected: yes.

Clinical Genetics, Academic Medical Center
Classification: Benign. Review status: no assertion criteria provided. Collection method: clinical testing. Allele origin: germline. Affected: yes. Study: VKGL Data-share Consensus. Not counted in ClinVar's aggregate classification.

Diagnostic Laboratory, Department of Genetics, University Medical Center Groningen
Classification: Likely benign. Review status: no assertion criteria provided. Collection method: clinical testing. Allele origin: germline. Affected: yes. Study: VKGL Data-share Consensus. Not counted in ClinVar's aggregate classification.

Laboratory of Diagnostic Genome Analysis, Leiden University Medical Center (LUMC)
Classification: Benign. Review status: no assertion criteria provided. Collection method: clinical testing. Allele origin: germline. Affected: yes. Study: VKGL Data-share Consensus. Not counted in ClinVar's aggregate classification.

Mayo Clinic Laboratories, Mayo Clinic
Classification: Likely benign. Review status: no assertion criteria provided. Collection method: research. Allele origin: unknown. Observed: 1 variant allele. Not counted in ClinVar's aggregate classification.

NM_000038.6(APC):c.423-17T>A

Gene: APC (APC regulator of Wnt signaling pathway; plus strand). Cytogenetic location: 5q22.2.
Variant type: single nucleotide variant.
Coding change: c.423-17T>A on transcript NM_000038.6 (MANE Select); 17 bases into the intron before coding-DNA position 423, T replaced by A.
Molecular consequence: intron variant.
Genome position (GRCh38, 1-based): chr5:112,775,612, T>A. VCF-style: chr5-112775612-T-A. GRCh37 (hg19) VCF-style: chr5-112111309-T-A.
Other names: c.423-17T>A (NM_001354895.2, NM_001127510.3, NM_001354896.2 and 2 more transcripts); c.453-17T>A (NM_001354897.2, NM_001354902.2, NM_001127511.3); c.348-17T>A (NM_001354898.2, NM_001354904.2); c.-613-17T>A (NM_001354906.2); c.246-17T>A (NM_001354900.2, NM_001354901.2, NM_001354905.2).
Identifiers: ClinVar variation 217981 (VCV000217981.48), dbSNP rs534684461, ClinGen allele CA210397.